The following is an entry in ClinVar:

NM_000531.6(OTC):c.*106G>A

Gene: OTC (ornithine transcarbamylase; plus strand). Cytogenetic location: Xp11.4.
Variant type: single nucleotide variant.
Coding change: c.*106G>A on transcript NM_000531.6 (MANE Select); 106 bases downstream of the stop codon, G replaced by A.
Molecular consequence: 3 prime UTR variant.
Genome position (GRCh38, 1-based): chrX:38,421,188, G>A. VCF-style: chrX-38421188-G-A. GRCh37 (hg19) VCF-style: chrX-38280441-G-A.
Identifiers: ClinVar variation 368262 (VCV000368262.5), dbSNP rs766318571, ClinGen allele CA10646127.

ClinVar aggregate classification (germline): Benign (1 of 4 stars; one submission).

Conditions:
Ornithine carbamoyltransferase deficiency (OTCD). Also called: ORNITHINE TRANSCARBAMYLASE DEFICIENCY; ORNITHINE TRANSCARBAMYLASE DEFICIENCY, HYPERAMMONEMIA DUE TO; OTC DEFICIENCY; Ornithine Carbamoyltransferase Deficiency Disease. Identifiers: Orphanet 664, MedGen C0268542, MONDO:0010703, OMIM 311250.

Allele frequency attached by ClinVar (database versions not stated): gnomAD 0.00017 and 0.00019; gnomAD exomes 0.00017; TOPMed 0.00029; 1000 Genomes Project 30x 0.00042; 1000 Genomes Project 0.00053.
gnomAD v4.1: 110 of 561,930 alleles (0.02%); highest among the groups gnomAD compares: East Asian, 0.31%; no homozygotes.

Submission:

Illumina Laboratory Services, Illumina
Classification: Benign for Ornithine carbamoyltransferase deficiency. Last evaluated: 2018-01-13. Review status: criteria provided, single submitter. Criteria: ICSL Variant Classification Criteria 13 December 2019. Collection method: clinical testing. Allele origin: germline.
Comment: This variant was observed in the ICSL laboratory as part of a predisposition screen in an ostensibly healthy population. It had not been previously curated by ICSL or reported in the Human Gene Mutation Database (HGMD: prior to June 1st, 2018), and was therefore a candidate for classification through an automated scoring system. Utilizing variant allele frequency, disease prevalence and penetrance estimates, and inheritance mode, an automated score was calculated to assess if this variant is too frequent to cause the disease. Based on the score and internal cut-off values, a variant classified as benign is not then subjected to further curation. The score for this variant resulted in a classification of benign for this disease.